The following is an entry in ClinVar:

NM_000179.3(MSH6):c.1913T>G (p.Leu638Arg)

Gene: MSH6 (mutS homolog 6; plus strand). Cytogenetic location: 2p16.3.
Variant type: single nucleotide variant.
Coding change: c.1913T>G on transcript NM_000179.3 (MANE Select); coding-DNA position 1913, T replaced by G.
Protein change: p.Leu638Arg; replaces leucine 638 with arginine.
Molecular consequence: missense variant.
Genome position (GRCh38, 1-based): chr2:47,799,896, T>G. VCF-style: chr2-47799896-T-G. GRCh37 (hg19) VCF-style: chr2-48027035-T-G.
Other names: c.1523T>G, p.Leu508Arg (NM_001281492.2); c.1007T>G, p.Leu336Arg (NM_001281493.2, NM_001281494.2); short protein forms L336R, L508R, L638R.
Identifiers: ClinVar variation 922889 (VCV000922889.4), dbSNP rs1553413298, ClinGen allele CA346750209.

ClinVar aggregate classification (germline): Uncertain significance (1 of 4 stars; one submission).

Conditions:
Hereditary cancer-predisposing syndrome. Also called: Neoplastic Syndromes, Hereditary; Tumor predisposition; Hereditary Cancer Syndrome; Hereditary neoplastic syndrome. Identifiers: Orphanet 140162, MedGen C0027672, MeSH D009386, MONDO:0015356.

Submission:

Color Diagnostics, LLC DBA Color Health
Classification: Uncertain significance for Hereditary cancer-predisposing syndrome. Last evaluated: 2024-03-07. Review status: criteria provided, single submitter. Criteria: ACMG Guidelines, 2015. Collection method: clinical testing. Allele origin: germline.
Comment: This missense variant replaces leucine with arginine at codon 638 of the MSH6 protein. Computational prediction is inconclusive regarding the impact of this variant on protein structure and function (internally defined REVEL score threshold 0.5 < inconclusive < 0.7, PMID: 27666373). Splice site prediction tools suggest that this variant may not impact RNA splicing. To our knowledge, functional studies have not been reported for this variant. This variant has not been reported in individuals affected with hereditary cancer in the literature. This variant has not been identified in the general population by the Genome Aggregation Database (gnomAD). The available evidence is insufficient to determine the role of this variant in disease conclusively. Therefore, this variant is classified as a Variant of Uncertain Significance.